The following is an entry in ClinVar:

ClinVar aggregate classification (germline): Uncertain significance (1 of 4 stars; one submission).

Conditions:
Pitt-Hopkins-like syndrome 2 (PTHSL2). Identifiers: Orphanet 221150, Orphanet 600663, MedGen C3280479, MONDO:0013690, OMIM 614325.

Allele frequency attached by ClinVar (database versions not stated): gnomAD exomes 0.00001; ExAC 0.00003.
gnomAD v4.1: 11 of 1,601,684 alleles (0.00069%); highest among the groups gnomAD compares: Non-Finnish European, 0.00093%; no homozygotes.

Submission:

Labcorp Genetics (formerly Invitae), Labcorp
Classification: Uncertain significance for Pitt-Hopkins-like syndrome 2. Last evaluated: 2022-11-07. Review status: criteria provided, single submitter. Criteria: Invitae Variant Classification Sherloc (09022015). Collection method: clinical testing. Allele origin: germline.
Comment: In summary, the available evidence is currently insufficient to determine the role of this variant in disease. Therefore, it has been classified as a Variant of Uncertain Significance. Algorithms developed to predict the effect of missense changes on protein structure and function are either unavailable or do not agree on the potential impact of this missense change (SIFT: "Tolerated"; PolyPhen-2: "Possibly Damaging"; Align-GVGD: "Class C0"). This variant has not been reported in the literature in individuals affected with NRXN1-related conditions. This variant is present in population databases (rs779511888, gnomAD 0.004%). This sequence change replaces glutamic acid, which is acidic and polar, with lysine, which is basic and polar, at codon 99 of the NRXN1 protein (p.Glu99Lys).

NM_001330078.2(NRXN1):c.295G>A (p.Glu99Lys)

Gene: NRXN1 (neurexin 1; minus strand). Cytogenetic location: 2p16.3.
Variant type: single nucleotide variant.
Coding change: c.295G>A on transcript NM_001330078.2 (MANE Select); coding-DNA position 295, G replaced by A.
Protein change: p.Glu99Lys; replaces glutamic acid 99 with lysine.
Molecular consequence: missense variant.
Genome position (GRCh38, 1-based): chr2:51,027,979, C>T on the plus strand (G>A on the coding strand, the complement: NRXN1 is on the minus strand). VCF-style: chr2-51027979-C-T. GRCh37 (hg19) VCF-style: chr2-51255117-C-T.
Other names: c.295G>A, p.Glu99Lys (NM_001135659.3, NM_001330077.2, NM_001330079.2 and 15 more transcripts); short protein forms E99K.
Identifiers: ClinVar variation 1913599 (VCV001913599.5), dbSNP rs779511888, ClinGen allele CA1655529.